The following is an entry in ClinVar:

ClinVar aggregate classification (germline): Uncertain significance (1 of 4 stars; one submission).

Conditions:
Inborn genetic diseases. Identifiers: MedGen C0950123, MeSH D030342.

gnomAD v4.1: 17 of 1,613,934 alleles (0.0011%); highest among the groups gnomAD compares: Non-Finnish European, 0.0014%; no homozygotes.

Submission:

Ambry Genetics
Classification: Uncertain significance for Inborn genetic diseases. Last evaluated: 2025-10-07. Review status: criteria provided, single submitter. Criteria: Ambry Variant Classification Scheme 2023. Collection method: clinical testing. Allele origin: germline.
Comment: The c.880G>T (p.G294C) alteration is located in exon 6 (coding exon 6) of the KIF21A gene. This alteration results from a G to T substitution at nucleotide position 880, causing the glycine (G) at amino acid position 294 to be replaced by a cysteine (C). Based on data from gnomAD, the T allele has an overall frequency of 0.001% (2/251392) total alleles studied. The highest observed frequency was 0.002% (2/113712) of European (non-Finnish) alleles. Based on insufficient or conflicting evidence, the clinical significance of this alteration remains unclear.

NM_001173464.2(KIF21A):c.880G>T (p.Gly294Cys)

Gene: KIF21A (kinesin family member 21A; minus strand). Cytogenetic location: 12q12.
Variant type: single nucleotide variant.
Coding change: c.880G>T on transcript NM_001173464.2 (MANE Select); coding-DNA position 880, G replaced by T.
Protein change: p.Gly294Cys; replaces glycine 294 with cysteine.
Molecular consequence: missense variant.
Genome position (GRCh38, 1-based): chr12:39,366,373, C>A on the plus strand (G>T on the coding strand, the complement: KIF21A is on the minus strand). VCF-style: chr12-39366373-C-A. GRCh37 (hg19) VCF-style: chr12-39760175-C-A.
Other names: c.880G>T, p.Gly294Cys (NM_001173463.2, NM_001173465.2, NM_001378439.1 and 3 more transcripts); short protein forms G294C.
Identifiers: ClinVar variation 4622973 (VCV004622973.1).
Genomic context (GRCh38, chr12:39,366,373, plus strand): 5'-GCTCTGATATATTCTCAGCACAAAGCCTTAATCTTACAAGTCCACAGTTGATAGAAATGC[C>A]TTCTTTTGCCCTCTCGCCTGTAGCTCCAGTACGCTTCAGTCTTTCAGATCCTGCGAGATC-3'
Protein context (NP_001166935.1, residues 284-304): TGATGERAKE[Gly294Cys]ISINCGLLAL